The following is an entry in ClinVar:

ClinVar aggregate classification (germline): Benign/Likely benign. Review status: criteria provided, multiple submitters, no conflicts (2 of 4 stars). 2 submissions from 2 submitters: Benign (1); Likely benign (1). Last evaluated 2025-03-04.

Allele frequency attached by ClinVar (database versions not stated): gnomAD exomes 0.00042 and 0.00135; ExAC 0.00165; gnomAD 0.00503 and 0.00536; TOPMed 0.00531; 1000 Genomes Project 0.00599; ESP Exome Variant Server 0.00646; 1000 Genomes Project 30x 0.00671.
gnomAD v4.1: 1,342 of 1,476,336 alleles (0.091%); highest among the groups gnomAD compares: African/African-American, 1.6%; 14 homozygotes.

Submissions (2):

Center for Genomic Medicine, Rigshospitalet, Copenhagen University Hospital
Classification: Benign. Last evaluated: 2025-03-04. Review status: criteria provided, single submitter. Criteria: ACMG Guidelines, 2015. Collection method: clinical testing. Allele origin: germline.

GeneDx
Classification: Likely benign. Last evaluated: 2018-06-12. Review status: criteria provided, single submitter. Criteria: GeneDx Variant Classification (06012015). Collection method: clinical testing. Allele origin: germline. Affected: yes.
Comment: This variant is considered likely benign or benign based on one or more of the following criteria: it is a conservative change, it occurs at a poorly conserved position in the protein, it is predicted to be benign by multiple in silico algorithms, and/or has population frequency not consistent with disease.

NM_003000.3(SDHB):c.766-40C>T

Genes: SDHB (succinate dehydrogenase complex iron sulfur subunit B; minus strand), LOC129929541 (ATAC-STARR-seq lymphoblastoid active region 276; plus strand). Cytogenetic location: 1p36.13.
Variant type: single nucleotide variant.
Coding change: c.766-40C>T on transcript NM_003000.3 (MANE Select); 40 bases into the intron before coding-DNA position 766, C replaced by T.
Molecular consequence: intron variant.
Genome position (GRCh38, 1-based): chr1:17,018,998, G>A on the plus strand (C>T on the coding strand, the complement: SDHB is on the minus strand). VCF-style: chr1-17018998-G-A. GRCh37 (hg19) VCF-style: chr1-17345493-G-A.
Identifiers: ClinVar variation 676873 (VCV000676873.8), dbSNP rs147408869, ClinGen allele CA089763.